The following is an entry in ClinVar:

NM_032389.6(ARFGAP2):c.308A>G (p.Asn103Ser)

Gene: ARFGAP2 (ARF GTPase activating protein 2; minus strand). Cytogenetic location: 11p11.2.
Variant type: single nucleotide variant.
Coding change: c.308A>G on transcript NM_032389.6 (MANE Select); coding-DNA position 308, A replaced by G.
Protein change: p.Asn103Ser; replaces asparagine 103 with serine.
Molecular consequence: missense variant.
Genome position (GRCh38, 1-based): chr11:47,175,270, T>C on the plus strand (A>G on the coding strand, the complement: ARFGAP2 is on the minus strand). VCF-style: chr11-47175270-T-C. GRCh37 (hg19) VCF-style: chr11-47196821-T-C.
Other names: c.308A>G, p.Asn103Ser (NM_001242832.2, NM_001410995.1); short protein forms N103S.
Identifiers: ClinVar variation 3033646 (VCV003033646.2), dbSNP rs117324352, ClinGen allele CA5971696.

ClinVar aggregate classification (germline): Likely benign (0 of 4 stars; one submission).

Conditions:
ARFGAP2-related disorder. Also called: ARFGAP2-related condition.

Allele frequency attached by ClinVar (database versions not stated): 1000 Genomes Project 0.00060; 1000 Genomes Project 30x 0.00078; ESP Exome Variant Server 0.00123; gnomAD 0.00131; TOPMed 0.00148; ExAC 0.00154; gnomAD exomes 0.00210.
gnomAD v4.1: 3,276 of 1,614,138 alleles (0.2%); highest among the groups gnomAD compares: Non-Finnish European, 0.22%; 6 homozygotes.

Submission:

PreventionGenetics, part of Exact Sciences
Classification: Likely benign for ARFGAP2-related condition. Last evaluated: 2019-06-10. Review status: no assertion criteria provided. Collection method: clinical testing. Allele origin: germline.
Comment: This variant is classified as likely benign based on ACMG/AMP sequence variant interpretation guidelines (Richards et al. 2015 PMID: 25741868, with internal and published modifications).